The following is an entry in ClinVar:

ClinVar aggregate classification (germline): Likely benign (1 of 4 stars; one submission).

Conditions:
Nystagmus 1, congenital, X-linked. Also called: NYSTAGMUS 1, INFANTILE, X-LINKED; NYSTAGMUS, CONGENITAL MOTOR, 1; FRMD7-Related Infantile Nystagmus; NYSTAGMUS, INFANTILE PERIODIC ALTERNATING, X-LINKED; NYSTAGMUS, INFANTILE IDIOPATHIC. Identifiers: MedGen C1839580, MONDO:0010693, OMIM 310700.

Allele frequency attached by ClinVar (database versions not stated): 1000 Genomes Project 30x 0.00125; 1000 Genomes Project 0.00132; gnomAD 0.00018 and 0.00023; TOPMed 0.00027.

Submission:

Illumina Laboratory Services, Illumina
Classification: Likely benign for Nystagmus 1, congenital, X-linked. Last evaluated: 2018-01-13. Review status: criteria provided, single submitter. Criteria: ICSL Variant Classification Criteria 13 December 2019. Collection method: clinical testing. Allele origin: germline.
Comment: This variant was observed in the ICSL laboratory as part of a predisposition screen in an ostensibly healthy population. It had not been previously curated by ICSL or reported in the Human Gene Mutation Database (HGMD: prior to June 1st, 2018), and was therefore a candidate for classification through an automated scoring system. Utilizing variant allele frequency, disease prevalence and penetrance estimates, and inheritance mode, an automated score was calculated to assess if this variant is too frequent to cause the disease. Based on the score and internal cut-off values, a variant classified as likely benign is not then subjected to further curation. The score for this variant resulted in a classification of likely benign for this disease.

NM_194277.3(FRMD7):c.*685T>C

Gene: FRMD7 (FERM domain containing 7; minus strand). Cytogenetic location: Xq26.2.
Variant type: single nucleotide variant.
Coding change: c.*685T>C on transcript NM_194277.3 (MANE Select); 685 bases downstream of the stop codon, T replaced by C.
Molecular consequence: 3 prime UTR variant.
Genome position (GRCh38, 1-based): chrX:132,077,187, A>G on the plus strand (T>C on the coding strand, the complement: FRMD7 is on the minus strand). VCF-style: chrX-132077187-A-G. GRCh37 (hg19) VCF-style: chrX-131211215-A-G.
Other names: c.*685T>C (NM_001306193.2).
Identifiers: ClinVar variation 914870 (VCV000914870.4), dbSNP rs188431168, ClinGen allele CA335857425.